The following is an entry in ClinVar:

NM_000484.4(APP):c.713AAG[3] (p.Glu241del)

Gene: APP (amyloid beta precursor protein; minus strand). Cytogenetic location: 21q21.3.
Variant type: Microsatellite.
Coding change: c.713AAG[3] on transcript NM_000484.4 (MANE Select); three copies in a row of the 3-base unit AAG starting at c.713; the reference has four copies in a row; one copy, 3 bases deleted.
Protein change: p.Glu241del; deletes glutamic acid 241.
Molecular consequence: inframe deletion.
Genome position (GRCh38, 1-based): chr21:26,021,981-26,021,983, CTT deleted on the plus strand (AAG on the coding strand, the reverse complement: APP is on the minus strand); deleting any 3 consecutive bases within chr21:26,021,981-26,021,993 gives the same sequence; the position shown is the placement nearest the transcript's 3' end. VCF-style (leftmost placement, unchanged base first): chr21-26021980-GCTT-G. GRCh37 (hg19) VCF-style: chr21-27394296-GCTT-G.
Other names: c.698AAG[3], p.Glu236del (NM_001136016.3); c.545AAG[3], p.Glu185del (NM_001136129.3, NM_001136130.3); c.608AAG[3], p.Glu206del (NM_001136131.3); c.713AAG[3], p.Glu241del (NM_001204301.2, NM_001204302.2, NM_001204303.2 and 3 more transcripts); c.722_724delAAG (NM_000484.3); short protein forms E206del, E236del, E241del, E185del.
Identifiers: ClinVar variation 1437591 (VCV001437591.8), dbSNP rs754150568, ClinGen allele CA9987579.

ClinVar aggregate classification (germline): Uncertain significance. Review status: criteria provided, single submitter (1 of 4 stars). 2 submissions from 2 submitters: Uncertain significance (1). 1 of the submissions does not count toward it. Last evaluated 2025-11-25.

Conditions:
APP-related disorder. Also called: APP-related condition.
Alzheimer disease. Also called: Presenile and senile dementia; Alzheimer's disease. Identifiers: Orphanet 1020, MedGen C0002395, MeSH D000544, MONDO:0004975, HP:0002511.

Submissions (2):

Labcorp Genetics (formerly Invitae), Labcorp
Classification: Uncertain significance for Alzheimer disease. Last evaluated: 2025-11-25. Review status: criteria provided, single submitter. Criteria: Invitae Variant Classification Sherloc (09022015). Collection method: clinical testing. Allele origin: germline.
Comment: This variant, c.722_724del, results in the deletion of 1 amino acid(s) of the APP protein (p.Glu241del), but otherwise preserves the integrity of the reading frame. This variant is present in population databases (rs755788810, gnomAD 0.01%). This variant has been observed in individual(s) with Parkinson's disease and dementia (PMID: 25604855, 35861376). Experimental studies and prediction algorithms are not available or were not evaluated, and the functional significance of this variant is currently unknown. In summary, the available evidence is currently insufficient to determine the role of this variant in disease. Therefore, it has been classified as a Variant of Uncertain Significance.

PreventionGenetics, part of Exact Sciences
Classification: Uncertain significance for APP-related condition. Last evaluated: 2024-08-08. Review status: no assertion criteria provided. Collection method: clinical testing. Allele origin: germline. Not counted in ClinVar's aggregate classification.
Comment: The APP c.722_724delAAG variant is predicted to result in an in-frame deletion (p.Glu241del). This variant has been reported in patients with Parkinson disease (Chen et al. 2022. PubMed ID: 35861376; Schulte et al. 2015. PubMed ID: 25604855). This variant is reported in 0.012% of alleles in individuals of African descent in gnomAD. At this time, the clinical significance of this variant is uncertain due to the absence of conclusive functional and genetic evidence.

Literature cited by the submitters: PubMed 25604855 (cited by Labcorp Genetics (formerly Invitae), Labcorp); PubMed 35861376 (cited by Labcorp Genetics (formerly Invitae), Labcorp).